The following is an entry in ClinVar:

ClinVar aggregate classification (germline): Uncertain significance (1 of 4 stars; one submission).

Conditions:
Hereditary spastic paraplegia 3A (SPG3A). Also called: Spastic Paraplegia 3A; Spastic paraplegia 3A, autosomal dominant; SPASTIC PARAPLEGIA 3, AUTOSOMAL DOMINANT; FAMILIAL SPASTIC PARAPLEGIA, AUTOSOMAL DOMINANT, 1; SPG3; STRUMPELL DISEASE. Identifiers: Orphanet 100984, MedGen C2931355, MONDO:0008437, OMIM 182600.

Allele frequency attached by ClinVar (database versions not stated): TOPMed below 0.00001; ExAC 0.00001; gnomAD exomes 0.00001.
gnomAD v4.1: 3 of 1,613,814 alleles (0.00019%); highest among the groups gnomAD compares: Middle Eastern, 0.017%; no homozygotes.

Submission:

Labcorp Genetics (formerly Invitae), Labcorp
Classification: Uncertain significance for Hereditary spastic paraplegia 3A. Last evaluated: 2022-10-02. Review status: criteria provided, single submitter. Criteria: Invitae Variant Classification Sherloc (09022015). Collection method: clinical testing. Allele origin: germline.
Comment: Advanced modeling of protein sequence and biophysical properties (such as structural, functional, and spatial information, amino acid conservation, physicochemical variation, residue mobility, and thermodynamic stability) performed at Invitae indicates that this missense variant is not expected to disrupt ATL1 protein function. This variant has not been reported in the literature in individuals affected with ATL1-related conditions. This variant is present in population databases (rs766408452, gnomAD 0.0009%). This sequence change replaces asparagine, which is neutral and polar, with serine, which is neutral and polar, at codon 316 of the ATL1 protein (p.Asn316Ser). In summary, the available evidence is currently insufficient to determine the role of this variant in disease. Therefore, it has been classified as a Variant of Uncertain Significance.

NM_015915.5(ATL1):c.947A>G (p.Asn316Ser)

Gene: ATL1 (atlastin GTPase 1; plus strand). Cytogenetic location: 14q22.1.
Variant type: single nucleotide variant.
Coding change: c.947A>G on transcript NM_015915.5 (MANE Select); coding-DNA position 947, A replaced by G.
Protein change: p.Asn316Ser; replaces asparagine 316 with serine.
Molecular consequence: missense variant.
Genome position (GRCh38, 1-based): chr14:50,620,683, A>G. VCF-style: chr14-50620683-A-G. GRCh37 (hg19) VCF-style: chr14-51087401-A-G.
Other names: c.947A>G, p.Asn316Ser (NM_001127713.1, NM_181598.4); short protein forms N316S.
Identifiers: ClinVar variation 2188202 (VCV002188202.4), dbSNP rs766408452, ClinGen allele CA7180367.